The following is an entry in ClinVar:

ClinVar aggregate classification (germline): Pathogenic (1 of 4 stars; one submission).

Conditions:
Nephronophthisis. Also called: Juvenile Nephronophthisis. Identifiers: Orphanet 655, MedGen C0687120, MONDO:0019005, HP:0000090.
Meckel-Gruber syndrome. Also called: DYSENCEPHALIA SPLANCHNOCYSTICA; GRUBER SYNDROME; Dysencephalia splachnocystica. Identifiers: Orphanet 564, MedGen C0265215, MONDO:0018921.
Joubert syndrome. Also called: CEREBELLOPARENCHYMAL DISORDER IV; JOUBERT-BOLTSHAUSER SYNDROME; Familial aplasia of the vermis. Identifiers: Orphanet 475, MedGen C5979921, MONDO:0018772.

Submission:

Labcorp Genetics (formerly Invitae), Labcorp
Classification: Pathogenic for Joubert syndrome; Meckel-Gruber syndrome; Nephronophthisis. Last evaluated: 2021-06-30. Review status: criteria provided, single submitter. Criteria: Invitae Variant Classification Sherloc (09022015). Collection method: clinical testing. Allele origin: germline.
Comment: For these reasons, this variant has been classified as Pathogenic. This variant is a gross deletion of the genomic region encompassing exon(s) 48-49 of the CEP290 gene. This deletion is out-of-frame, and is expected to create a premature translational stop signal and result in an absent or disrupted protein product. Loss-of-function variants in CEP290 are known to be pathogenic (PMID: 16909394, 17345604, 20690115). This variant has not been reported in the literature in individuals affected with CEP290-related conditions.

Literature cited by the submitters: PubMed 16909394; PubMed 17345604; PubMed 20690115.

NC_000012.11:g.(?_88452615)_(88453807_?)del

Gene: CEP290 (centrosomal protein 290; minus strand). Cytogenetic location: 12q21.32.
Variant type: Deletion.
Identifiers: ClinVar variation 1459321 (VCV001459321.6).